The following is an entry in ClinVar:

NM_000081.4(LYST):c.52C>T (p.Arg18Trp)

Gene: LYST (lysosomal trafficking regulator; minus strand). Cytogenetic location: 1q42.3.
Variant type: single nucleotide variant.
Coding change: c.52C>T on transcript NM_000081.4 (MANE Select); coding-DNA position 52, C replaced by T.
Protein change: p.Arg18Trp; replaces arginine 18 with tryptophan.
Molecular consequence: missense variant. On other transcripts: non-coding transcript variant (1).
Genome position (GRCh38, 1-based): chr1:235,830,366, G>A on the plus strand (C>T on the coding strand, the complement: LYST is on the minus strand). VCF-style: chr1-235830366-G-A. GRCh37 (hg19) VCF-style: chr1-235993666-G-A.
Other names: c.52C>T, p.Arg18Trp (NM_001301365.1); short protein forms R18W.
Identifiers: ClinVar variation 647216 (VCV000647216.7), dbSNP rs780640186, ClinGen allele CA1467746.

ClinVar aggregate classification (germline): Uncertain significance (1 of 4 stars; one submission).

Conditions:
Chédiak-Higashi syndrome (CHS). Also called: Chediak-Higashi Syndrome. Identifiers: Orphanet 167, MedGen C0007965, MONDO:0008963, OMIM 214500.

Allele frequency attached by ClinVar (database versions not stated): gnomAD 0.00001; TOPMed 0.00001; ExAC 0.00002.

Submission:

Labcorp Genetics (formerly Invitae), Labcorp
Classification: Uncertain significance for Chédiak-Higashi syndrome. Last evaluated: 2024-08-05. Review status: criteria provided, single submitter. Criteria: Invitae Variant Classification Sherloc (09022015). Collection method: clinical testing. Allele origin: germline.
Comment: This sequence change replaces arginine, which is basic and polar, with tryptophan, which is neutral and slightly polar, at codon 18 of the LYST protein (p.Arg18Trp). This variant is present in population databases (rs780640186, gnomAD 0.007%). This variant has not been reported in the literature in individuals affected with LYST-related conditions. ClinVar contains an entry for this variant (Variation ID: 647216). Advanced modeling of protein sequence and biophysical properties (such as structural, functional, and spatial information, amino acid conservation, physicochemical variation, residue mobility, and thermodynamic stability) performed at Invitae indicates that this missense variant is not expected to disrupt LYST protein function with a negative predictive value of 80%. In summary, the available evidence is currently insufficient to determine the role of this variant in disease. Therefore, it has been classified as a Variant of Uncertain Significance.